The following is an entry in ClinVar:

NM_015100.4(POGZ):c.4091_4092del (p.His1363_Ser1364insTer)

Gene: POGZ (pogo transposable element derived with ZNF domain; minus strand). Cytogenetic location: 1q21.3.
Variant type: Deletion.
Coding change: c.4091_4092del on transcript NM_015100.4 (MANE Select); coding-DNA positions 4091 to 4092, 2 bases deleted (CT; older notation c.4091_4092delCT).
Protein change: p.His1363_Ser1364insTer.
Molecular consequence: nonsense.
Genome position (GRCh38, 1-based): chr1:151,404,943-151,404,944, AG deleted on the plus strand (CT on the coding strand, the reverse complement: POGZ is on the minus strand); deleting any 2 consecutive bases within chr1:151,404,943-151,404,945 gives the same sequence; the c. name uses the placement nearest the transcript's 3' end. VCF-style (leftmost placement, unchanged base first): chr1-151404942-CAG-C. GRCh37 (hg19) VCF-style: chr1-151377418-CAG-C.
Other names: c.4064_4065del, p.His1354_Ser1355insTer (NM_001194937.2); c.3905_3906del, p.His1301_Ser1302insTer (NM_001194938.2); c.4112_4113del, p.His1370_Ser1371insTer (NM_001410860.1); c.3806_3807del, p.His1268_Ser1269insTer (NM_145796.4); c.3932_3933del, p.His1310_Ser1311insTer (NM_207171.2).
Identifiers: ClinVar variation 3361545 (VCV003361545.1).

ClinVar aggregate classification (germline): Uncertain significance (1 of 4 stars; one submission).

Submission:

GeneDx
Classification: Uncertain significance. Last evaluated: 2023-07-27. Review status: criteria provided, single submitter. Criteria: GeneDx Variant Classification Process June 2021. Collection method: clinical testing. Allele origin: germline. Affected: yes.
Comment: Nonsense indel variant predicted to result in protein truncation as the last 47 amino acids are lost, although loss-of-function variants have not been reported downstream of this position in the protein; Not observed at significant frequency in large population cohorts (gnomAD); Has not been previously published as pathogenic or benign to our knowledge